The following is an entry in ClinVar:

ClinVar aggregate classification (germline): Uncertain significance (1 of 4 stars; one submission).

Allele frequency attached by ClinVar (database versions not stated): ExAC 0.00001; gnomAD 0.00001; TOPMed 0.00003.
gnomAD v4.1: 46 of 1,613,980 alleles (0.0029%); highest among the groups gnomAD compares: Non-Finnish European, 0.0039%; no homozygotes.

Submission:

Labcorp Genetics (formerly Invitae), Labcorp
Classification: Uncertain significance. Last evaluated: 2025-08-20. Review status: criteria provided, single submitter. Criteria: Invitae Variant Classification Sherloc (09022015). Collection method: clinical testing. Allele origin: germline.
Comment: This sequence change replaces alanine, which is neutral and non-polar, with glutamic acid, which is acidic and polar, at codon 1268 of the ERBIN protein (p.Ala1268Glu). This variant is present in population databases (rs760078880, gnomAD 0.002%). This variant has not been reported in the literature in individuals affected with ERBIN-related conditions. ClinVar contains an entry for this variant (Variation ID: 2422560). An algorithm developed to predict the effect of missense changes on protein structure and function (PolyPhen-2) suggests that this variant is likely to be tolerated. In summary, the available evidence is currently insufficient to determine the role of this variant in disease. Therefore, it has been classified as a Variant of Uncertain Significance.

NM_001253697.2(ERBIN):c.3803C>A (p.Ala1268Glu)

Gene: ERBIN (erbb2 interacting protein; plus strand). Cytogenetic location: 5q12.3.
Variant type: single nucleotide variant.
Coding change: c.3803C>A on transcript NM_001253697.2 (MANE Select); coding-DNA position 3803, C replaced by A.
Protein change: p.Ala1268Glu; replaces alanine 1268 with glutamic acid.
Molecular consequence: missense variant. On other transcripts: intron variant (1).
Genome position (GRCh38, 1-based): chr5:66,075,070, C>A. VCF-style: chr5-66075070-C-A. GRCh37 (hg19) VCF-style: chr5-65370898-C-A.
Other names: c.3680C>A, p.Ala1227Glu (NM_001253698.2, NM_018695.4); c.3824C>A, p.Ala1275Glu (NM_001253699.2); c.3668C>A, p.Ala1223Glu (NM_001253701.2); c.3634-1246C>A (NM_001006600.3); short protein forms A1223E, A1227E, A1268E, A1275E.
Identifiers: ClinVar variation 2422560 (VCV002422560.6), dbSNP rs760078880, ClinGen allele CA3286728.